The following is an entry in ClinVar:

ClinVar aggregate classification (germline): Uncertain significance (1 of 4 stars; one submission).

Conditions:
Neuropathy, hereditary sensory and autonomic, type 2A (HSAN2A). Also called: ACROOSTEOLYSIS, GIACCAI TYPE; ACROOSTEOLYSIS, NEUROGENIC; MORVAN DISEASE; NEUROPATHY, CONGENITAL SENSORY; NEUROPATHY, HEREDITARY SENSORY RADICULAR, AUTOSOMAL RECESSIVE; NEUROPATHY, HEREDITARY SENSORY, TYPE IIA. Identifiers: Orphanet 970, MedGen C2752089, MONDO:0024309, OMIM 201300.
Pseudohypoaldosteronism type 2C (PHA2C). Also called: Pseudohypoaldosteronism Type IIC. Identifiers: Orphanet 757, Orphanet 88940, MedGen C1840391, MONDO:0013778, OMIM 614492.

gnomAD v4.1: 1 of 1,612,374 alleles (0.000062%); highest among the groups gnomAD compares: Non-Finnish European, 0.000085%; no homozygotes.

Submission:

Labcorp Genetics (formerly Invitae), Labcorp
Classification: Uncertain significance for Neuropathy, hereditary sensory and autonomic, type 2A; Pseudohypoaldosteronism type 2C. Last evaluated: 2025-03-26. Review status: criteria provided, single submitter. Criteria: Invitae Variant Classification Sherloc (09022015). Collection method: clinical testing. Allele origin: germline.
Comment: This sequence change replaces alanine, which is neutral and non-polar, with valine, which is neutral and non-polar, at codon 68 of the WNK1 protein (p.Ala68Val). This variant is not present in population databases (gnomAD no frequency). This variant has not been reported in the literature in individuals affected with WNK1-related conditions. Invitae Evidence Modeling of protein sequence and biophysical properties (such as structural, functional, and spatial information, amino acid conservation, physicochemical variation, residue mobility, and thermodynamic stability) indicates that this missense variant is not expected to disrupt WNK1 protein function with a negative predictive value of 95%. In summary, the available evidence is currently insufficient to determine the role of this variant in disease. Therefore, it has been classified as a Variant of Uncertain Significance.

NM_018979.4(WNK1):c.203C>T (p.Ala68Val)

Gene: WNK1 (WNK lysine deficient protein kinase 1; plus strand). Cytogenetic location: 12p13.33.
Variant type: single nucleotide variant.
Coding change: c.203C>T on transcript NM_018979.4 (MANE Select); coding-DNA position 203, C replaced by T.
Protein change: p.Ala68Val; replaces alanine 68 with valine.
Molecular consequence: missense variant.
Genome position (GRCh38, 1-based): chr12:753,768, C>T. VCF-style: chr12-753768-C-T. GRCh37 (hg19) VCF-style: chr12-862934-C-T.
Other names: c.203C>T, p.Ala68Val (NM_001184985.2, NM_014823.3, NM_213655.5); short protein forms A68V.
Identifiers: ClinVar variation 4794432 (VCV004794432.1).
Genomic context (GRCh38, chr12:753,768, plus strand): 5'-CCGGCAGGACCGAGGAGTACAGGCGCCGCCGCCACACTATGGACAAGGACAGCCGTGGGG[C>T]GGCCGCGACCACTACCACCACTGAGCACCGCTTCTTCCGCCGGAGCGTCATCTGTGACTC-3'
Protein context (NP_061852.3, residues 58-78): RHTMDKDSRG[Ala68Val]AATTTTTEHR